The following is an entry in ClinVar:

ClinVar aggregate classification (germline): Uncertain significance (1 of 4 stars; one submission).

gnomAD v4.1: 4 of 1,614,212 alleles (0.00025%); highest among the groups gnomAD compares: Non-Finnish European, 0.00034%; no homozygotes.

Submission:

Labcorp Genetics (formerly Invitae), Labcorp
Classification: Uncertain significance. Last evaluated: 2022-02-03. Review status: criteria provided, single submitter. Criteria: Invitae Variant Classification Sherloc (09022015). Collection method: clinical testing. Allele origin: germline.
Comment: In summary, the available evidence is currently insufficient to determine the role of this variant in disease. Therefore, it has been classified as a Variant of Uncertain Significance. Algorithms developed to predict the effect of missense changes on protein structure and function are either unavailable or do not agree on the potential impact of this missense change (SIFT: "Deleterious"; PolyPhen-2: "Possibly Damaging"; Align-GVGD: "Class C0"). ClinVar contains an entry for this variant (Variation ID: 1025271). This variant has not been reported in the literature in individuals affected with SZT2-related conditions. This variant is present in population databases (no rsID available, gnomAD 0.0009%). This sequence change replaces serine, which is neutral and polar, with tyrosine, which is neutral and polar, at codon 1221 of the SZT2 protein (p.Ser1221Tyr).

NM_001365999.1(SZT2):c.3833C>A (p.Ser1278Tyr)

Gene: SZT2 (SZT2 subunit of KICSTOR complex; plus strand). Cytogenetic location: 1p34.2.
Variant type: single nucleotide variant.
Coding change: c.3833C>A on transcript NM_001365999.1 (MANE Select); coding-DNA position 3833, C replaced by A.
Protein change: p.Ser1278Tyr; replaces serine 1278 with tyrosine.
Molecular consequence: missense variant.
Genome position (GRCh38, 1-based): chr1:43,428,032, C>A. VCF-style: chr1-43428032-C-A. GRCh37 (hg19) VCF-style: chr1-43893703-C-A.
Other names: c.3662C>A, p.Ser1221Tyr (NM_015284.4); short protein forms S1221Y, S1278Y.
Identifiers: ClinVar variation 1025271 (VCV001025271.6), dbSNP rs755346632, ClinGen allele CA340019404.